The following is an entry in ClinVar:

ClinVar aggregate classification (germline): Uncertain significance. Review status: criteria provided, multiple submitters, no conflicts (2 of 4 stars). 5 submissions from 4 submitters: Uncertain significance (5). Last evaluated 2024-03-12.

Conditions:
Retinitis pigmentosa 39 (RP39). Identifiers: Orphanet 791, MedGen C3151138, MONDO:0013436, OMIM 613809.
Usher syndrome type 2A. Also called: RETINAL DISEASE IN USHER SYNDROME TYPE IIA, MODIFIER OF; USHER SYNDROME, TYPE IIA. Identifiers: Orphanet 231178, Orphanet 886, MedGen C1848634, MONDO:0010169, OMIM 276901.

Allele frequency attached by ClinVar (database versions not stated): gnomAD exomes below 0.00001.
gnomAD v4.1: 1 of 1,614,114 alleles (0.000062%); highest among the groups gnomAD compares: Non-Finnish European, 0.000085%; no homozygotes.

Submissions (5):

GeneDx
Classification: Uncertain significance. Last evaluated: 2024-03-12. Review status: criteria provided, single submitter. Criteria: GeneDx Variant Classification Process June 2021. Collection method: clinical testing. Allele origin: germline. Affected: yes.
Comment: Not observed at significant frequency in large population cohorts (gnomAD); In silico analysis supports that this missense variant has a deleterious effect on protein structure/function; This variant is associated with the following publications: (PMID: 32675063)

Genome-Nilou Lab
Classification: Uncertain significance for Retinitis pigmentosa 39. Last evaluated: 2023-11-04. Review status: criteria provided, single submitter. Criteria: ACMG Guidelines, 2015. Collection method: clinical testing. Allele origin: germline. Affected: no.

Genome-Nilou Lab
Classification: Uncertain significance for Usher syndrome type 2A. Last evaluated: 2023-11-04. Review status: criteria provided, single submitter. Criteria: ACMG Guidelines, 2015. Collection method: clinical testing. Allele origin: germline. Affected: no.

Women's Health and Genetics/Laboratory Corporation of America, LabCorp
Classification: Uncertain significance. Last evaluated: 2023-08-07. Review status: criteria provided, single submitter. Criteria: LabCorp Variant Classification Summary - May 2015. Collection method: clinical testing. Allele origin: germline.
Comment: Variant summary: USH2A c.13165T>C (p.Tyr4389His) results in a conservative amino acid change located in the Fibronectin type III (IPR003961) of the encoded protein sequence. Four of five in-silico tools predict a damaging effect of the variant on protein function. The variant was absent in 250602 control chromosomes (gnomAD). c.13165T>C has been reported in the literature in individuals affected with nonsyndromic retinitis pigmentosa (Zhu_2021). These data indicate that the variant may be associated with disease. To our knowledge, no experimental evidence demonstrating an impact on protein function has been reported. The following publication has been ascertained in the context of this evaluation (PMID: 32675063). One submitter has cited a clinical-significance assessment for this variant to ClinVar after 2014 and has classified the variant as uncertain significance. Based on the evidence outlined above, the variant was classified as VUS-possibly pathogenic.

Labcorp Genetics (formerly Invitae), Labcorp
Classification: Uncertain significance. Last evaluated: 2022-05-12. Review status: criteria provided, single submitter. Criteria: Invitae Variant Classification Sherloc (09022015). Collection method: clinical testing. Allele origin: germline.
Comment: This sequence change replaces tyrosine, which is neutral and polar, with histidine, which is basic and polar, at codon 4389 of the USH2A protein (p.Tyr4389His). This variant is not present in population databases (gnomAD no frequency). This missense change has been observed in individual(s) with retinitis pigmentosa (PMID: 32675063). Algorithms developed to predict the effect of missense changes on protein structure and function (SIFT, PolyPhen-2, Align-GVGD) all suggest that this variant is likely to be disruptive. In summary, the available evidence is currently insufficient to determine the role of this variant in disease. Therefore, it has been classified as a Variant of Uncertain Significance.

Literature cited by the submitters: PubMed 32675063 (cited by Women's Health and Genetics/Laboratory Corporation of America, LabCorp and Labcorp Genetics (formerly Invitae), Labcorp).

NM_206933.4(USH2A):c.13165T>C (p.Tyr4389His)

Gene: USH2A (usherin; minus strand). Cytogenetic location: 1q41.
Variant type: single nucleotide variant.
Coding change: c.13165T>C on transcript NM_206933.4 (MANE Select); coding-DNA position 13165, T replaced by C.
Protein change: p.Tyr4389His; replaces tyrosine 4389 with histidine.
Molecular consequence: missense variant.
Genome position (GRCh38, 1-based): chr1:215,674,746, A>G on the plus strand (T>C on the coding strand, the complement: USH2A is on the minus strand). VCF-style: chr1-215674746-A-G. GRCh37 (hg19) VCF-style: chr1-215848088-A-G.
Other names: c.13165T>C (NM_206933.2); short protein forms Y4389H.
Identifiers: ClinVar variation 1486423 (VCV001486423.8), dbSNP rs2102665721, ClinGen allele CA344846339.